The following is an entry in ClinVar:

NM_173630.4(RTTN):c.4050G>A (p.Trp1350Ter)

Gene: RTTN (rotatin; minus strand). Cytogenetic location: 18q22.2.
Variant type: single nucleotide variant.
Coding change: c.4050G>A on transcript NM_173630.4 (MANE Select); coding-DNA position 4050, G replaced by A.
Protein change: p.Trp1350Ter; replaces tryptophan 1350 with a stop codon.
Molecular consequence: nonsense.
Genome position (GRCh38, 1-based): chr18:70,092,203, C>T on the plus strand (G>A on the coding strand, the complement: RTTN is on the minus strand). VCF-style: chr18-70092203-C-T. GRCh37 (hg19) VCF-style: chr18-67759439-C-T.
Other names: c.1314G>A, p.Trp438Ter (NM_001318520.2); short protein forms W1350*, W438*.
Identifiers: ClinVar variation 4531698 (VCV004531698.1).

ClinVar aggregate classification (germline): Pathogenic (1 of 4 stars; one submission).

Conditions:
Microcephalic primordial dwarfism due to RTTN deficiency (MSSP). Also called: MICROCEPHALY, SHORT STATURE, AND POLYMICROGYRIA; Microcephaly, short stature, and polymicrogyria with or without seizures. Identifiers: Orphanet 468631, MedGen C3553831, MONDO:0018764, OMIM 614833.

gnomAD v4.1: 6 of 1,609,182 alleles (0.00037%); highest among the groups gnomAD compares: Non-Finnish European, 0.00051%; no homozygotes.

Submission:

Victorian Clinical Genetics Services, Murdoch Childrens Research Institute
Classification: Pathogenic for Microcephalic primordial dwarfism due to RTTN deficiency. Last evaluated: 2025-06-19. Review status: criteria provided, single submitter. Criteria: ACMG Guidelines, 2015. Collection method: clinical testing. Allele origin: germline. Affected: yes.
Comment: This variant is classified as Pathogenic. Evidence in support of pathogenic classification: Variant is predicted to cause nonsense-mediated decay (NMD) and loss of protein (premature termination codon is located at least 54 nucleotides upstream of the final exon-exon junction); Variant is present in gnomAD <0.01 for a recessive condition (v4: 6 heterozygote(s), 0 homozygote(s)); Other NMD-predicted variant(s) comparable to the one identified in this case have very strong previous evidence for pathogenicity (DECIPHER). Additional information: This variant is heterozygous; This gene is associated with autosomal recessive disease; This variant has no previous evidence of pathogenicity; No published segregation evidence has been identified for this variant; No published functional evidence has been identified for this variant; Loss of function is a known mechanism of disease in this gene and is associated with microcephaly, short stature, and polymicrogyria with seizures (MIM#614833).